The following is an entry in ClinVar:

NM_003108.4(SOX11):c.1177T>C (p.Ser393Pro)

Gene: SOX11 (SRY-box transcription factor 11; plus strand). Cytogenetic location: 2p25.2.
Variant type: single nucleotide variant.
Coding change: c.1177T>C on transcript NM_003108.4 (MANE Select); coding-DNA position 1177, T replaced by C.
Protein change: p.Ser393Pro; replaces serine 393 with proline.
Molecular consequence: missense variant.
Genome position (GRCh38, 1-based): chr2:5,693,898, T>C. VCF-style: chr2-5693898-T-C. GRCh37 (hg19) VCF-style: chr2-5834030-T-C.
Other names: short protein forms S393P.
Identifiers: ClinVar variation 3029915 (VCV003029915.2), dbSNP rs2465088960, ClinGen allele CA345868292.

ClinVar aggregate classification (germline): Uncertain significance (0 of 4 stars; one submission).

Conditions:
SOX11-related disorder. Also called: SOX11-related condition.

Submission:

PreventionGenetics, part of Exact Sciences
Classification: Uncertain significance for SOX11-related condition. Last evaluated: 2024-01-18. Review status: no assertion criteria provided. Collection method: clinical testing. Allele origin: germline.
Comment: The SOX11 c.1177T>C variant is predicted to result in the amino acid substitution p.Ser393Pro. To our knowledge, this variant has not been reported in the literature or in a large population database, indicating this variant is rare. At this time, the clinical significance of this variant is uncertain due to the absence of conclusive functional and genetic evidence.